The following is an entry in ClinVar:

ClinVar aggregate classification (germline): Uncertain significance. Review status: criteria provided, multiple submitters, no conflicts (2 of 4 stars). 3 submissions from 3 submitters: Uncertain significance (3). Last evaluated 2026-02-03.

Conditions:
KIF22-related disorder. Also called: KIF22-related condition.

Allele frequency attached by ClinVar (database versions not stated): gnomAD exomes below 0.00001; gnomAD 0.00001; TOPMed 0.00001.
gnomAD v4.1: 4 of 1,613,810 alleles (0.00025%); highest among the groups gnomAD compares: Non-Finnish European, 0.00034%; no homozygotes.

Submissions (3):

PreventionGenetics, part of Exact Sciences
Classification: Uncertain significance for KIF22-related condition. Last evaluated: 2026-02-03. Review status: criteria provided, single submitter. Criteria: ACMG Guidelines, 2015. Collection method: clinical testing. Allele origin: germline.
Comment: The KIF22 c.1778T>C variant is predicted to result in the amino acid substitution p.Leu593Pro. To our knowledge, this variant has not been reported in the literature or in a large population database (gnomAD), indicating this variant is rare. At this time, the clinical significance of this variant is uncertain due to the absence of conclusive functional and genetic evidence.

Labcorp Genetics (formerly Invitae), Labcorp
Classification: Uncertain significance. Last evaluated: 2023-05-29. Review status: criteria provided, single submitter. Criteria: Invitae Variant Classification Sherloc (09022015). Collection method: clinical testing. Allele origin: germline.
Comment: In summary, the available evidence is currently insufficient to determine the role of this variant in disease. Therefore, it has been classified as a Variant of Uncertain Significance. An algorithm developed to predict the effect of missense changes on protein structure and function (PolyPhen-2) suggests that this variant is likely to be disruptive. ClinVar contains an entry for this variant (Variation ID: 2488637). This variant has not been reported in the literature in individuals affected with KIF22-related conditions. This variant is not present in population databases (gnomAD no frequency). This sequence change replaces leucine, which is neutral and non-polar, with proline, which is neutral and non-polar, at codon 593 of the KIF22 protein (p.Leu593Pro).

Ambry Genetics
Classification: Uncertain significance. Last evaluated: 2023-02-23. Review status: criteria provided, single submitter. Criteria: Ambry Variant Classification Scheme 2023. Collection method: clinical testing. Allele origin: germline.

NM_007317.3(KIF22):c.1778T>C (p.Leu593Pro)

Gene: KIF22 (kinesin family member 22; plus strand). Cytogenetic location: 16p11.2.
Variant type: single nucleotide variant.
Coding change: c.1778T>C on transcript NM_007317.3 (MANE Select); coding-DNA position 1778, T replaced by C.
Protein change: p.Leu593Pro; replaces leucine 593 with proline.
Molecular consequence: missense variant.
Genome position (GRCh38, 1-based): chr16:29,804,914, T>C. VCF-style: chr16-29804914-T-C. GRCh37 (hg19) VCF-style: chr16-29816235-T-C.
Other names: c.1778T>C (NM_007317.2); c.1574T>C, p.Leu525Pro (NM_001256269.2, NM_001256270.1); short protein forms L593P, L525P.
Identifiers: ClinVar variation 2488637 (VCV002488637.6), dbSNP rs1259644000, ClinGen allele CA395462488.
Genomic context (GRCh38, chr16:29,804,914, plus strand): 5'-AGGACTGCTGGGAGCTACAGATCAGCCCGGAGCTACTGGCTCATGGGCGCCAAAAAATAC[T>C]GGATCTGCTGAACGAAGGCTCAGCCCGAGATCTCCGCAGTCTTCAGCGCATTGGCCCGAA-3'
Protein context (NP_015556.1, residues 583-603): ELLAHGRQKI[Leu593Pro]DLLNEGSARD